The following is an entry in ClinVar:

ClinVar aggregate classification (germline): Uncertain significance. Review status: criteria provided, multiple submitters, no conflicts (2 of 4 stars). 2 submissions from 2 submitters: Uncertain significance (2). Last evaluated 2025-06-03.

Conditions:
Leber congenital amaurosis 7 (LCA7). Identifiers: Orphanet 65, MedGen C3151192, MONDO:0013449, OMIM 613829.
Cone-rod dystrophy 2 (CORD2). Also called: CONE-ROD RETINAL DYSTROPHY; Cone-rod retinal dystrophy 2. Identifiers: Orphanet 1872, MedGen C3489532, MONDO:0007362, OMIM 120970.

gnomAD v4.1: 1 of 1,614,110 alleles (0.000062%); highest among the groups gnomAD compares: Admixed American, 0.0017%; no homozygotes.

Submissions (2):

Labcorp Genetics (formerly Invitae), Labcorp
Classification: Uncertain significance for Cone-rod dystrophy 2; Leber congenital amaurosis 7. Last evaluated: 2025-06-03. Review status: criteria provided, single submitter. Criteria: Invitae Variant Classification Sherloc (09022015). Collection method: clinical testing. Allele origin: germline.
Comment: This sequence change replaces glycine, which is neutral and non-polar, with aspartic acid, which is acidic and polar, at codon 274 of the CRX protein (p.Gly274Asp). This variant is not present in population databases (gnomAD no frequency). This variant has not been reported in the literature in individuals affected with CRX-related conditions. Invitae Evidence Modeling of protein sequence and biophysical properties (such as structural, functional, and spatial information, amino acid conservation, physicochemical variation, residue mobility, and thermodynamic stability) indicates that this missense variant is not expected to disrupt CRX protein function with a negative predictive value of 95%. In summary, the available evidence is currently insufficient to determine the role of this variant in disease. Therefore, it has been classified as a Variant of Uncertain Significance.

Blueprint Genetics
Classification: Uncertain significance. Last evaluated: 2022-05-09. Review status: criteria provided, single submitter. Criteria: ACMG Guidelines, 2015. Collection method: clinical testing. Allele origin: germline.

NM_000554.6(CRX):c.821G>A (p.Gly274Asp)

Gene: CRX (cone-rod homeobox; plus strand). Cytogenetic location: 19q13.33.
Variant type: single nucleotide variant.
Coding change: c.821G>A on transcript NM_000554.6 (MANE Select); coding-DNA position 821, G replaced by A.
Protein change: p.Gly274Asp; replaces glycine 274 with aspartic acid.
Molecular consequence: missense variant.
Genome position (GRCh38, 1-based): chr19:47,839,888, G>A. VCF-style: chr19-47839888-G-A. GRCh37 (hg19) VCF-style: chr19-48343145-G-A.
Other names: short protein forms G274D.
Identifiers: ClinVar variation 4795002 (VCV004795002.2).
Genomic context (GRCh38, chr19:47,839,888, plus strand): 5'-CAGGCCAGAGCTATGGCGCCTACAGCCCCGTGGATAGCTTGGAATTCAAGGACCCCACGG[G>A]CACCTGGAAATTCACCTACAATCCCATGGACCCTCTGGACTACAAGGATCAGAGTGCCTG-3'
Protein context (NP_000545.1, residues 264-284): VDSLEFKDPT[Gly274Asp]TWKFTYNPMD